The following is an entry in ClinVar:

ClinVar aggregate classification (germline): Uncertain significance (1 of 4 stars; one submission).

Conditions:
Nemaline myopathy 5 (NEM5A). Also called: NEMALINE MYOPATHY 5A, AUTOSOMAL RECESSIVE, SEVERE INFANTILE; NEMALINE MYOPATHY, AMISH TYPE; Nemaline myopathy 5, Amish type. Identifiers: Orphanet 98902, MedGen C1854380, MONDO:0011539, OMIM 605355.

Allele frequency attached by ClinVar (database versions not stated): gnomAD exomes 0.00004; gnomAD 0.00005; ExAC 0.00007; TOPMed 0.00011.
gnomAD v4.1: 35 of 1,612,806 alleles (0.0022%); highest among the groups gnomAD compares: East Asian, 0.047%; no homozygotes.

Submission:

Labcorp Genetics (formerly Invitae), Labcorp
Classification: Uncertain significance for Nemaline myopathy 5. Last evaluated: 2022-09-07. Review status: criteria provided, single submitter. Criteria: Invitae Variant Classification Sherloc (09022015). Collection method: clinical testing. Allele origin: germline.
Comment: This sequence change replaces alanine, which is neutral and non-polar, with valine, which is neutral and non-polar, at codon 242 of the TNNT1 protein (p.Ala242Val). This variant is present in population databases (rs779112211, gnomAD 0.05%). This variant has not been reported in the literature in individuals affected with TNNT1-related conditions. ClinVar contains an entry for this variant (Variation ID: 534402). Algorithms developed to predict the effect of missense changes on protein structure and function (SIFT, PolyPhen-2, Align-GVGD) all suggest that this variant is likely to be tolerated. Algorithms developed to predict the effect of sequence changes on RNA splicing suggest that this variant may create or strengthen a splice site. In summary, the available evidence is currently insufficient to determine the role of this variant in disease. Therefore, it has been classified as a Variant of Uncertain Significance.

NM_003283.6(TNNT1):c.725C>T (p.Ala242Val)

Gene: TNNT1 (troponin T1, slow skeletal type; minus strand). Cytogenetic location: 19q13.42.
Variant type: single nucleotide variant.
Coding change: c.725C>T on transcript NM_003283.6 (MANE Select); coding-DNA position 725, C replaced by T.
Protein change: p.Ala242Val; replaces alanine 242 with valine.
Molecular consequence: missense variant.
Genome position (GRCh38, 1-based): chr19:55,134,091, G>A on the plus strand (C>T on the coding strand, the complement: TNNT1 is on the minus strand). VCF-style: chr19-55134091-G-A. GRCh37 (hg19) VCF-style: chr19-55645459-G-A.
Other names: c.677C>T, p.Ala226Val (NM_001126132.3); c.644C>T, p.Ala215Val (NM_001126133.3, NM_001291774.2); short protein forms A242V, A215V, A226V.
Identifiers: ClinVar variation 534402 (VCV000534402.6), dbSNP rs779112211, ClinGen allele CA9667317.